The following is an entry in ClinVar:

ClinVar aggregate classification (germline): Uncertain significance (1 of 4 stars; one submission).

Allele frequency attached by ClinVar (database versions not stated): gnomAD exomes 0.00001 and 0.00002; TOPMed 0.00001; ExAC 0.00002.
gnomAD v4.1: 15 of 1,184,420 alleles (0.0013%); highest among the groups gnomAD compares: Non-Finnish European, 0.0008%; no homozygotes.

Submission:

Labcorp Genetics (formerly Invitae), Labcorp
Classification: Uncertain significance. Last evaluated: 2021-06-25. Review status: criteria provided, single submitter. Criteria: Invitae Variant Classification Sherloc (09022015). Collection method: clinical testing. Allele origin: germline.
Comment: In summary, the available evidence is currently insufficient to determine the role of this variant in disease. Therefore, it has been classified as a Variant of Uncertain Significance. Algorithms developed to predict the effect of missense changes on protein structure and function are either unavailable or do not agree on the potential impact of this missense change (SIFT: "Deleterious"; PolyPhen-2: "Probably Damaging"; Align-GVGD: "Class C0"). This variant has not been reported in the literature in individuals with PLS3-related conditions. This variant is present in population databases (rs782290456, ExAC 0.02%). This sequence change replaces arginine with histidine at codon 398 of the PLS3 protein (p.Arg398His). The arginine residue is highly conserved and there is a small physicochemical difference between arginine and histidine.

NM_005032.7(PLS3):c.1193G>A (p.Arg398His)

Gene: PLS3 (plastin 3; plus strand). Cytogenetic location: Xq23.
Variant type: single nucleotide variant.
Coding change: c.1193G>A on transcript NM_005032.7 (MANE Select); coding-DNA position 1193, G replaced by A.
Protein change: p.Arg398His; replaces arginine 398 with histidine.
Molecular consequence: missense variant.
Genome position (GRCh38, 1-based): chrX:115,645,030, G>A. VCF-style: chrX-115645030-G-A. GRCh37 (hg19) VCF-style: chrX-114879350-G-A.
Other names: c.1193G>A, p.Arg398His (NM_001136025.5); c.1112G>A, p.Arg371His (NM_001172335.3); c.1154G>A, p.Arg385His (NM_001282337.2); c.1058G>A, p.Arg353His (NM_001282338.2); short protein forms R353H, R385H, R398H, R371H.
Identifiers: ClinVar variation 1435074 (VCV001435074.8), dbSNP rs782290456, ClinGen allele CA10497022.